The following is an entry in ClinVar:

NM_001148.6(ANK2):c.6835C>T (p.His2279Tyr)

Genes: ANK2 (ankyrin 2; plus strand), LOC126807137 (CDK7 strongly-dependent group 2 enhancer GRCh37_chr4:114276560-114277759; plus strand). Cytogenetic location: 4q26.
Variant type: single nucleotide variant.
Coding change: c.6835C>T on transcript NM_001148.6 (MANE Select); coding-DNA position 6835, C replaced by T.
Protein change: p.His2279Tyr; replaces histidine 2279 with tyrosine.
Molecular consequence: missense variant. On other transcripts: intron variant (68).
Genome position (GRCh38, 1-based): chr4:113,355,453, C>T. VCF-style: chr4-113355453-C-T. GRCh37 (hg19) VCF-style: chr4-114276609-C-T.
Other names: c.6601C>T, p.His2201Tyr (NM_001386142.1); c.3235C>T, p.His1079Tyr (NM_001386166.1); c.6976C>T, p.His2326Tyr (NM_001386174.1); c.6952C>T, p.His2318Tyr (NM_001386175.1); c.4411+5204C>T (NM_001386186.2, NM_001386148.2); c.4213+5204C>T (NM_001354269.3); c.4291+5204C>T (NM_001386187.2); c.4252+5204C>T (NM_001386147.1); and 35 more; short protein forms H2279Y, H1079Y, H2201Y, H2326Y, H2318Y.
Identifiers: ClinVar variation 1755705 (VCV001755705.2), dbSNP rs2505629922, ClinGen allele CA357928339.

ClinVar aggregate classification (germline): Uncertain significance (1 of 4 stars; one submission).

Conditions:
Cardiovascular phenotype. Identifiers: MedGen CN230736.

Submission:

Ambry Genetics
Classification: Uncertain significance for Cardiovascular phenotype. Last evaluated: 2022-06-22. Review status: criteria provided, single submitter. Criteria: Ambry Variant Classification Scheme 2023. Collection method: clinical testing. Allele origin: germline.
Comment: The p.H2279Y variant (also known as c.6835C>T), located in coding exon 38 of the ANK2 gene, results from a C to T substitution at nucleotide position 6835. The histidine at codon 2279 is replaced by tyrosine, an amino acid with similar properties. This amino acid position is conserved. In addition, this alteration is predicted to be tolerated by in silico analysis. Since supporting evidence is limited at this time, the clinical significance of this alteration remains unclear.